The following is an entry in ClinVar:

ClinVar aggregate classification (germline): Uncertain significance (1 of 4 stars; one submission).

Submission:

CeGaT Center for Human Genetics Tuebingen
Classification: Uncertain significance. Last evaluated: 2023-07-01. Review status: criteria provided, single submitter. Criteria: CeGaT Center For Human Genetics Tuebingen Variant Classification Criteria Version 2. Collection method: clinical testing. Allele origin: germline. Affected: yes. Observed: 1 variant allele.
Comment: TEX15: PM2

NM_001350162.2(TEX15):c.8371del (p.Cys2791fs)

Gene: TEX15 (testis expressed 15, meiosis and synapsis associated; minus strand). Cytogenetic location: 8p12.
Variant type: Deletion.
Coding change: c.8371del on transcript NM_001350162.2 (MANE Select); coding-DNA position 8371, one base deleted (T; older notation c.8371delT).
Protein change: p.Cys2791fs; shifts the reading frame from cysteine 2791.
Molecular consequence: frameshift variant.
Genome position (GRCh38, 1-based): chr8:30,837,913, A deleted on the plus strand (T on the coding strand, the reverse complement: TEX15 is on the minus strand); the first of 2 consecutive A bases (chr8:30,837,913-30,837,914); deleting either gives the same sequence. VCF-style (leftmost placement, unchanged base first): chr8-30837912-CA-C. GRCh37 (hg19) VCF-style: chr8-30695428-CA-C.
Other names: c.7221delT, p.Cys2408Alafs (NM_031271.3); short protein forms C2791fs.
Identifiers: ClinVar variation 2579046 (VCV002579046.25), dbSNP rs1563228144, ClinGen allele CA918232652.